The following is an entry in ClinVar:

NM_012062.5(DNM1L):c.1994+6T>C

Gene: DNM1L (dynamin 1 like; plus strand). Cytogenetic location: 12p11.21.
Variant type: single nucleotide variant.
Coding change: c.1994+6T>C on transcript NM_012062.5 (MANE Select); 6 bases into the intron after coding-DNA position 1994, T replaced by C.
Molecular consequence: intron variant.
Genome position (GRCh38, 1-based): chr12:32,740,524, T>C. VCF-style: chr12-32740524-T-C. GRCh37 (hg19) VCF-style: chr12-32893458-T-C.
Other names: c.2033+6T>C (NM_001278464.2); c.2000+6T>C (NM_001278465.2); c.1922+6T>C (NM_001330380.2); c.1385+6T>C (NM_001278466.2); c.1961+6T>C (NM_001278463.2); c.1916+6T>C (NM_012063.4); c.1883+6T>C (NM_005690.5).
Identifiers: ClinVar variation 3693072 (VCV003693072.2).

ClinVar aggregate classification (germline): Uncertain significance (1 of 4 stars; one submission).

Submission:

Labcorp Genetics (formerly Invitae), Labcorp
Classification: Uncertain significance. Last evaluated: 2024-11-06. Review status: criteria provided, single submitter. Criteria: Invitae Variant Classification Sherloc (09022015). Collection method: clinical testing. Allele origin: germline.
Comment: This sequence change falls in intron 18 of the DNM1L gene. It does not directly change the encoded amino acid sequence of the DNM1L protein. It affects a nucleotide within the consensus splice site. This variant is not present in population databases (gnomAD no frequency). This variant has not been reported in the literature in individuals affected with DNM1L-related conditions. Variants that disrupt the consensus splice site are a relatively common cause of aberrant splicing (PMID: 17576681, 9536098). Algorithms developed to predict the effect of sequence changes on RNA splicing suggest that this variant is not likely to affect RNA splicing. In summary, the available evidence is currently insufficient to determine the role of this variant in disease. Therefore, it has been classified as a Variant of Uncertain Significance.

Literature cited by the submitters: PubMed 17576681; PubMed 9536098.